The following is an entry in ClinVar:

NM_198239.2(CCN6):c.594_598del (p.Tyr198_Asn200delinsTer)

Gene: CCN6 (cellular communication network factor 6; plus strand). Cytogenetic location: 6q21.
Variant type: Deletion.
Coding change: c.594_598del on transcript NM_198239.2 (MANE Select); coding-DNA positions 594 to 598, 5 bases deleted (TAGAA; older notation c.594_598delTAGAA).
Protein change: p.Tyr198_Asn200delinsTer.
Molecular consequence: nonsense. On other transcripts: non-coding transcript variant (2).
Genome position (GRCh38, 1-based): chr6:112,068,209-112,068,213, TAGAA deleted; deleting any 5 consecutive bases within chr6:112,068,208-112,068,213 gives the same sequence; the c. name uses the placement nearest the transcript's 3' end. VCF-style (leftmost placement, unchanged base first): chr6-112068207-TATAGA-T. GRCh37 (hg19) VCF-style: chr6-112389410-TATAGA-T.
Other names: c.594_598del, p.Tyr198_Asn200delinsTer (NM_003880.4).
Identifiers: ClinVar variation 4886899 (VCV004886899.1).

ClinVar aggregate classification (germline): Pathogenic (1 of 4 stars; one submission).

Conditions:
Progressive pseudorheumatoid dysplasia (PPRD). Also called: SPONDYLOEPIPHYSEAL DYSPLASIA TARDA WITH PROGRESSIVE ARTHROPATHY; Progressive Pseudorheumatoid Arthropathy of Childhood. Identifiers: Orphanet 1159, MedGen C0432215, MONDO:0008827, OMIM 208230. Disease mechanism: loss of function.

Submission:

Kasturba Medical College, Manipal, Kasturba Medical College, Manipal, Manipal Academy of Higher Education, Manipal, India
Classification: Pathogenic for Progressive pseudorheumatoid dysplasia. Last evaluated: 2026-08-04. Review status: criteria provided, single submitter. Criteria: ACMG Guidelines, 2015. Collection method: research. Allele origin: unknown. Inheritance: Autosomal recessive inheritance. Affected: yes. Observed: 1 variant allele, 1 homozygote.
Comment: A known five-base pair deletion, c.594_598del, in exon 4 of CCN6 was observed in homozygous state in the proband [Madhuri et al., 2016]. The variant has not been reported in heterozygous and/ or homozygous state in the population database, gnomAD (v4.1.0) and in our in-house database of 4376 exomes.

Literature cited by the submitters: PubMed 27436824.